The following is an entry in ClinVar:

NM_002485.5(NBN):c.1712A>C (p.Lys571Thr)

Gene: NBN (nibrin; minus strand). Cytogenetic location: 8q21.3.
Variant type: single nucleotide variant.
Coding change: c.1712A>C on transcript NM_002485.5 (MANE Select); coding-DNA position 1712, A replaced by C.
Protein change: p.Lys571Thr; replaces lysine 571 with threonine.
Molecular consequence: missense variant.
Genome position (GRCh38, 1-based): chr8:89,953,377, T>G on the plus strand (A>C on the coding strand, the complement: NBN is on the minus strand). VCF-style: chr8-89953377-T-G. GRCh37 (hg19) VCF-style: chr8-90965605-T-G.
Other names: c.1466A>C, p.Lys489Thr (NM_001024688.3, NM_001440379.1, NM_001440380.1); short protein forms K571T, K489T.
Identifiers: ClinVar variation 4843328 (VCV004843328.1).

ClinVar aggregate classification (germline): Uncertain significance (1 of 4 stars; one submission).

Conditions:
Hereditary cancer-predisposing syndrome. Also called: Neoplastic Syndromes, Hereditary; Tumor predisposition; Hereditary Cancer Syndrome; Hereditary neoplastic syndrome. Identifiers: Orphanet 140162, MedGen C0027672, MeSH D009386, MONDO:0015356.

Submission:

Ambry Genetics
Classification: Uncertain significance for Hereditary cancer-predisposing syndrome. Last evaluated: 2025-12-15. Review status: criteria provided, single submitter. Criteria: Ambry Variant Classification Scheme 2023. Collection method: clinical testing. Allele origin: germline.
Comment: The p.K571T variant (also known as c.1712A>C), located in coding exon 11 of the NBN gene, results from an A to C substitution at nucleotide position 1712. The lysine at codon 571 is replaced by threonine, an amino acid with similar properties. This amino acid position is conserved. In addition, this alteration is predicted to be tolerated by in silico analysis. Based on the available evidence, the clinical significance of this variant remains unclear.